The following is an entry in ClinVar:

ClinVar aggregate classification (germline): Benign/Likely benign. Review status: criteria provided, multiple submitters, no conflicts (2 of 4 stars). 2 submissions from 2 submitters: Benign (1); Likely benign (1). Last evaluated 2020-02-02.

Conditions:
Cataract 12 multiple types. Identifiers: Orphanet 91492, MedGen C3808115, MONDO:0012701, OMIM 611597.

Allele frequency attached by ClinVar (database versions not stated): gnomAD 0.00001 and 0.00010; TOPMed 0.00002; gnomAD exomes 0.00013 and 0.00030; ExAC 0.00016; 1000 Genomes Project 30x 0.00125; 1000 Genomes Project 0.00160.
gnomAD v4.1: 438 of 1,614,154 alleles (0.027%); highest among the groups gnomAD compares: East Asian, 0.96%; 3 homozygotes.

Submissions (2):

Labcorp Genetics (formerly Invitae), Labcorp
Classification: Likely benign for Cataract 12 multiple types. Last evaluated: 2020-02-02. Review status: criteria provided, single submitter. Criteria: Invitae Variant Classification Sherloc (09022015). Collection method: clinical testing. Allele origin: germline.

Illumina Laboratory Services, Illumina
Classification: Benign for Cataract 12 multiple types. Last evaluated: 2018-01-13. Review status: criteria provided, single submitter. Criteria: ICSL Variant Classification Criteria 13 December 2019. Collection method: clinical testing. Allele origin: germline.
Comment: This variant was observed in the ICSL laboratory as part of a predisposition screen in an ostensibly healthy population. It had not been previously curated by ICSL or reported in the Human Gene Mutation Database (HGMD: prior to June 1st, 2018), and was therefore a candidate for classification through an automated scoring system. Utilizing variant allele frequency, disease prevalence and penetrance estimates, and inheritance mode, an automated score was calculated to assess if this variant is too frequent to cause the disease. Based on the score and internal cut-off values, a variant classified as benign is not then subjected to further curation. The score for this variant resulted in a classification of benign for this disease.

NM_003571.4(BFSP2):c.730-7T>C

Genes: BFSP2 (beaded filament structural protein 2; plus strand), BFSP2-AS1 (BFSP2 antisense RNA 1; minus strand). Cytogenetic location: 3q22.1.
Variant type: single nucleotide variant.
Coding change: c.730-7T>C on transcript NM_003571.4 (MANE Select); 7 bases into the intron before coding-DNA position 730, T replaced by C.
Molecular consequence: intron variant.
Genome position (GRCh38, 1-based): chr3:133,450,296, T>C. VCF-style: chr3-133450296-T-C. GRCh37 (hg19) VCF-style: chr3-133169140-T-C.
Identifiers: ClinVar variation 740805 (VCV000740805.14), dbSNP rs75746794, ClinGen allele CA2623362.